The following is an entry in ClinVar:

ClinVar aggregate classification (germline): Uncertain significance (1 of 4 stars; one submission).

Conditions:
PLXNA1-related disorder. Also called: PLXNA1-related condition.

gnomAD v4.1: 6 of 1,603,276 alleles (0.00037%); highest among the groups gnomAD compares: Non-Finnish European, 0.00051%; no homozygotes.

Submission:

PreventionGenetics, part of Exact Sciences
Classification: Uncertain significance for PLXNA1-related condition. Last evaluated: 2025-09-03. Review status: criteria provided, single submitter. Criteria: ACMG Guidelines, 2015. Collection method: clinical testing. Allele origin: germline.
Comment: The PLXNA1 c.2473C>T variant is predicted to result in the amino acid substitution p.Arg825Cys. To our knowledge, this variant has not been reported in the literature. This variant is reported in 0.0020% of alleles in individuals of European (Non-Finnish) descent in gnomAD. At this time, the clinical significance of this variant is uncertain due to the absence of conclusive functional and genetic evidence.

NM_032242.4(PLXNA1):c.2473C>T (p.Arg825Cys)

Gene: PLXNA1 (plexin A1; plus strand). Cytogenetic location: 3q21.3.
Variant type: single nucleotide variant.
Coding change: c.2473C>T on transcript NM_032242.4 (MANE Select); coding-DNA position 2473, C replaced by T.
Protein change: p.Arg825Cys; replaces arginine 825 with cysteine.
Molecular consequence: missense variant.
Genome position (GRCh38, 1-based): chr3:127,014,244, C>T. VCF-style: chr3-127014244-C-T. GRCh37 (hg19) VCF-style: chr3-126733087-C-T.
Other names: short protein forms R825C.
Identifiers: ClinVar variation 4997998 (VCV004997998.1).